The following is an entry in ClinVar:

ClinVar aggregate classification (germline): Pathogenic (1 of 4 stars; one submission).

Conditions:
POLG-related disorder. Also called: POLG-Related Spectrum Disorders; POLG-related condition; POLG-Related Disorders. Identifiers: MedGen C4763519.

Submission:

Myriad Genetics, Inc.
Classification: Pathogenic for POLG-related disorder. Last evaluated: 2025-05-14. Review status: criteria provided, single submitter. Criteria: Myriad Autosomal Dominant, Autosomal Recessive and X-Linked Classification Criteria (2023). Collection method: clinical testing. Allele origin: unknown.
Comment: NM_002693.2(POLG):c.1441G>T(E481*) is expected to be pathogenic in the context of POLG-related disorders. This variant is predicted to lead to an abnormal or absent protein product due to the creation of a premature termination codon in POLG, a gene where loss-of-function variants are known to be pathogenic. Please note: this variant was assessed in the context of healthy population screening.

NM_002693.3(POLG):c.1441G>T (p.Glu481Ter)

Gene: POLG (DNA polymerase gamma, catalytic subunit; minus strand). Cytogenetic location: 15q26.1.
Variant type: single nucleotide variant.
Coding change: c.1441G>T on transcript NM_002693.3 (MANE Select); coding-DNA position 1441, G replaced by T.
Protein change: p.Glu481Ter; replaces glutamic acid 481 with a stop codon.
Molecular consequence: nonsense.
Genome position (GRCh38, 1-based): chr15:89,327,056, C>A on the plus strand (G>T on the coding strand, the complement: POLG is on the minus strand). VCF-style: chr15-89327056-C-A. GRCh37 (hg19) VCF-style: chr15-89870287-C-A.
Other names: c.1441G>T, p.Glu481Ter (NM_001126131.2); short protein forms E481*.
Identifiers: ClinVar variation 5014437 (VCV005014437.1).